The following is an entry in ClinVar:

NM_002107.7(H3-3A):c.103G>A (p.Gly35Arg)

Gene: H3-3A (H3.3 histone A; plus strand). Cytogenetic location: 1q42.12.
Variant type: single nucleotide variant.
Coding change: c.103G>A on transcript NM_002107.7 (MANE Select); coding-DNA position 103, G replaced by A.
Protein change: p.Gly35Arg; replaces glycine 35 with arginine.
Molecular consequence: missense variant.
Genome position (GRCh38, 1-based): chr1:226,064,454, G>A. VCF-style: chr1-226064454-G-A. GRCh37 (hg19) VCF-style: chr1-226252155-G-A.
Other names: c.103G>A, p.Gly35Arg (NM_001379043.1, NM_001379045.1, NM_001379046.1 and 1 more transcripts); short protein forms G35R.
Identifiers: ClinVar variation 438766 (VCV000438766.3), dbSNP rs1553260624, ClinGen allele CA345016035.

ClinVar aggregate classification (germline): other (0 of 4 stars; one submission).
ClinVar aggregate classification (somatic clinical impact): Tier I - Strong (1 of 4 stars; one submission).
ClinVar aggregate classification (oncogenicity): Likely oncogenic (1 of 4 stars; one submission).

Conditions:
Glioblastoma. Also called: Giant cell glioblastoma (histologic variant); Gliosarcoma (histologic variant). Identifiers: Orphanet 360, MedGen C0017636, MeSH D005909, MONDO:0018177, HP:0100843.
Diffuse glioma, H3 G34 mutant. Identifiers: MedGen CN377580, MONDO:0957197.
Neoplasm. Also called: Neoplasms; Neoplasm (disease); tumor. Identifiers: MedGen C0027651, MeSH D009369, MONDO:0005070, HP:0002664.

Submissions (3):

Center for Genomic Medicine, Rigshospitalet, Copenhagen University Hospital
Classification: Likely oncogenic for Neoplasm. Last evaluated: 2026-10-16. Review status: criteria provided, single submitter. Criteria: ClinGen/CGC/VICC Guidelines for Oncogenicity, 2022. Collection method: clinical testing. Allele origin: somatic. Affected: yes.

Institute for Genomic Medicine (IGM) Clinical Laboratory, Nationwide Children's Hospital
Classification: Tier I - Strong for Diffuse glioma, H3 G34 mutant. Assertion type: diagnostic. Clinical significance: supports diagnosis. Last evaluated: 2024-06-22. Review status: criteria provided, single submitter. Criteria: AMP/ASCO/CAP Guidelines, 2017. Collection method: clinical testing. Allele origin: somatic. Affected: yes.
Comment: Variant has Tier I (strong) clinical significance as a diagnostic inclusion criterion in diffuse glioma, H3 G34 mutant, based on the following evidence: 1) Documented in one or more cancer databases (e.g., St. Jude Pecan, COSMIC, CIViC, OncoKB). 2) Appears in one or more well-established professional guidelines (e.g., World Health Organization [WHO]; National Comprehensive Cancer Network [NCCN]) as providing diagnostic, prognostic, or therapeutic information. 3) Information in the literature supports potential biologic effect of variant (PMIDs: 23539269, 25128496). 4) Diagnostic for a specific tumor type/classification according to professional guidelines (Evidence Level A; PMIDs: 25230881, 29763623, 28966033, 24705251).

Donald Williams Parsons Laboratory, Baylor College of Medicine
Classification: other for GLIOBLASTOMA. Last evaluated: 2016-05-01. Review status: no assertion criteria provided. Collection method: clinical testing. Allele origin: somatic. Inheritance: Somatic mutation. Affected: yes. Study: CSER-BASIC3.

Literature cited by the submitters: PubMed 30087349 (cited by Center for Genomic Medicine, Rigshospitalet, Copenhagen University Hospital); PubMed 23539269 (cited by Institute for Genomic Medicine (IGM) Clinical Laboratory, Nationwide Children's Hospital); PubMed 25128496 (cited by Institute for Genomic Medicine (IGM) Clinical Laboratory, Nationwide Children's Hospital); PubMed 25230881 (cited by Institute for Genomic Medicine (IGM) Clinical Laboratory, Nationwide Children's Hospital); PubMed 29763623 (cited by Institute for Genomic Medicine (IGM) Clinical Laboratory, Nationwide Children's Hospital); PubMed 28966033 (cited by Institute for Genomic Medicine (IGM) Clinical Laboratory, Nationwide Children's Hospital); PubMed 24705251 (cited by Institute for Genomic Medicine (IGM) Clinical Laboratory, Nationwide Children's Hospital); PubMed 26822237 (cited by Donald Williams Parsons Laboratory, Baylor College of Medicine).